The following is an entry in ClinVar:

NM_000368.5(TSC1):c.538C>T (p.Leu180Phe)

Gene: TSC1 (TSC complex subunit 1; minus strand). Cytogenetic location: 9q34.13.
Variant type: single nucleotide variant.
Coding change: c.538C>T on transcript NM_000368.5 (MANE Select); coding-DNA position 538, C replaced by T.
Protein change: p.Leu180Phe; replaces leucine 180 with phenylalanine.
Molecular consequence: missense variant. On other transcripts: 5 prime UTR variant (5), non-coding transcript variant (5).
Genome position (GRCh38, 1-based): chr9:132,921,944, G>A on the plus strand (C>T on the coding strand, the complement: TSC1 is on the minus strand). VCF-style: chr9-132921944-G-A. GRCh37 (hg19) VCF-style: chr9-135797331-G-A.
Other names: c.538C>T, p.Leu180Phe (NM_001406600.1, NM_001406601.1, NM_001406602.1 and 16 more transcripts); c.-556C>T (NM_001406630.1); c.385C>T, p.Leu129Phe (NM_001162427.2, NM_001406610.1, NM_001406611.1 and 2 more transcripts); c.175C>T, p.Leu59Phe (NM_001362177.2, NM_001406614.1, NM_001406615.1 and 10 more transcripts); c.-340C>T (NM_001406626.1, NM_001406627.1, NM_001406628.1); c.-482C>T (NM_001406629.1); short protein forms L180F, L129F, L59F.
Identifiers: ClinVar variation 4192060 (VCV004192060.2).

ClinVar aggregate classification (germline): Uncertain significance (1 of 4 stars; one submission).

Conditions:
Hereditary cancer-predisposing syndrome. Also called: Neoplastic Syndromes, Hereditary; Tumor predisposition; Hereditary Cancer Syndrome; Hereditary neoplastic syndrome. Identifiers: Orphanet 140162, MedGen C0027672, MeSH D009386, MONDO:0015356.

Submission:

Ambry Genetics
Classification: Uncertain significance for Hereditary cancer-predisposing syndrome. Last evaluated: 2026-08-12. Review status: criteria provided, single submitter. Criteria: Ambry Variant Classification Scheme 2023. Collection method: clinical testing. Allele origin: germline.
Comment: The p.L180F variant (also known as c.538C>T), located in coding exon 5 of the TSC1 gene, results from a C to T substitution at nucleotide position 538. The leucine at codon 180 is replaced by phenylalanine, an amino acid with highly similar properties. This amino acid position is conserved. In addition, this alteration is predicted to be deleterious by in silico analysis. Based on the available evidence, the clinical significance of this variant remains unclear.